The following is an entry in ClinVar:

NM_006545.5(NPRL2):c.950G>A (p.Gly317Glu)

Gene: NPRL2 (NPR2 like, GATOR1 complex subunit; minus strand). Cytogenetic location: 3p21.31.
Variant type: single nucleotide variant.
Coding change: c.950G>A on transcript NM_006545.5 (MANE Select); coding-DNA position 950, G replaced by A.
Protein change: p.Gly317Glu; replaces glycine 317 with glutamic acid.
Molecular consequence: missense variant.
Genome position (GRCh38, 1-based): chr3:50,347,884, C>T on the plus strand (G>A on the coding strand, the complement: NPRL2 is on the minus strand). VCF-style: chr3-50347884-C-T. GRCh37 (hg19) VCF-style: chr3-50385315-C-T.
Other names: short protein forms G317E.
Identifiers: ClinVar variation 1326505 (VCV001326505.2), dbSNP rs1186511816, ClinGen allele CA352948164.
Genomic context (GRCh38, chr3:50,347,884, plus strand): 5'-TCTTCCCGAGTCACCCGCACAGGATACTTCTGTAGTCGCCTGATGAGGTTCTTCATAAGC[C>T]CGAACTGGATCAGCTTCCTAGGGTGAGGATCAGAGGACGGGGTGACGCCCTGGCCAGGCC-3'
Protein context (NP_006536.3, residues 307-327): HVDERKLIQF[Gly317Glu]LMKNLIRRLQ

ClinVar aggregate classification (germline): Uncertain significance (1 of 4 stars; one submission).

Submission:

GeneDx
Classification: Uncertain significance. Last evaluated: 2021-05-24. Review status: criteria provided, single submitter. Criteria: GeneDx Variant Classification Process June 2021. Collection method: clinical testing. Allele origin: germline. Affected: yes.
Comment: Not observed at significant frequency in large population cohorts (Lek et al., 2016); In silico analysis supports that this missense variant has a deleterious effect on protein structure/function; Has not been previously published as pathogenic or benign to our knowledge